The following is an entry in ClinVar:

ClinVar aggregate classification (germline): Conflicting classifications of pathogenicity. Review status: criteria provided, conflicting classifications (1 of 4 stars). 2 submissions from 2 submitters: Uncertain significance (1); Likely benign (1). Last evaluated 2026-06-12.

Allele frequency attached by ClinVar (database versions not stated): ESP Exome Variant Server 0.00008; ExAC 0.00002; gnomAD exomes below 0.00001.
gnomAD v4.1: 4 of 1,613,916 alleles (0.00025%); highest among the groups gnomAD compares: African/African-American, 0.0027%; no homozygotes.

Submissions (2):

Women's Health and Genetics/Laboratory Corporation of America, LabCorp
Classification: Uncertain significance. Last evaluated: 2026-06-12. Review status: criteria provided, single submitter. Criteria: LabCorp Variant Classification Summary - May 2015. Collection method: clinical testing. Allele origin: germline.
Comment: Variant summary: SETBP1 c.2655C>G (p.Ser885Arg) results in a non-conservative amino acid change in the encoded protein sequence. Algorithms developed to predict the effect of missense changes on protein structure and function are either unavailable or do not agree on the potential impact of this missense change. The variant allele was found at a frequency of 1.2e-05 in 250766 control chromosomes. The available data on variant occurrences in the general population are insufficient to allow any conclusion about variant significance. To our knowledge, no occurrence of c.2655C>G in individuals affected with SETBP1-related conditions and no experimental evidence demonstrating its impact on protein function have been reported. ClinVar contains an entry for this variant (Variation ID: 2161695). Based on the evidence outlined above, the variant was classified as uncertain significance.

Labcorp Genetics (formerly Invitae), Labcorp
Classification: Likely benign. Last evaluated: 2025-07-06. Review status: criteria provided, single submitter. Criteria: Invitae Variant Classification Sherloc (09022015). Collection method: clinical testing. Allele origin: germline.

NM_015559.3(SETBP1):c.2655C>G (p.Ser885Arg)

Gene: SETBP1 (SET binding protein 1; plus strand). Cytogenetic location: 18q12.3.
Variant type: single nucleotide variant.
Coding change: c.2655C>G on transcript NM_015559.3 (MANE Select); coding-DNA position 2655, C replaced by G.
Protein change: p.Ser885Arg; replaces serine 885 with arginine.
Molecular consequence: missense variant.
Genome position (GRCh38, 1-based): chr18:44,951,995, C>G. VCF-style: chr18-44951995-C-G. GRCh37 (hg19) VCF-style: chr18-42531960-C-G.
Other names: c.2655C>G, p.Ser885Arg (NM_001379141.1, NM_001379142.1, NM_001410862.1); short protein forms S885R.
Identifiers: ClinVar variation 2161695 (VCV002161695.5), dbSNP rs143325806, ClinGen allele CA8945770.